The following is an entry in ClinVar:

ClinVar aggregate classification (germline): Benign (1 of 4 stars; one submission).

Conditions:
Multiple endocrine neoplasia type 2A. Also called: Multiple Endocrine Neoplasia Type 2A (MEN2A); MULTIPLE ENDOCRINE NEOPLASIA, TYPE IIA; PTC SYNDROME; SIPPLE SYNDROME; MEN 2A; MEN-2A syndrome. Identifiers: Orphanet 247698, Orphanet 653, MedGen C0025268, MeSH D018813, MONDO:0008234, OMIM 171400.

Submission:

Myriad Genetics, Inc.
Classification: Benign for Multiple endocrine neoplasia type 2A. Last evaluated: 2025-02-26. Review status: criteria provided, single submitter. Criteria: Myriad Autosomal Dominant, Autosomal Recessive and X-Linked Classification Criteria (2023). Collection method: clinical testing. Allele origin: unknown.
Comment: This variant is considered benign. This variant is a silent/synonymous amino acid change and it is not expected to impact splicing.

NM_020975.6(RET):c.2304_2307delinsACTT (p.Glu768_Leu769=)

Gene: RET (ret proto-oncogene; plus strand). Cytogenetic location: 10q11.21.
Variant type: Indel.
Coding change: c.2304_2307delinsACTT on transcript NM_020975.6 (MANE Select); coding-DNA positions 2304 to 2307, GCTG replaced by ACTT.
Protein change: p.Glu768_Leu769=.
Molecular consequence: synonymous variant.
Genome position (GRCh38, 1-based): chr10:43,118,392-43,118,395, GCTG replaced by ACTT. VCF-style: chr10-43118392-GCTG-ACTT. GRCh37 (hg19) VCF-style: chr10-43613840-GCTG-ACTT.
Other names: c.1542_1545delinsACTT, p.Glu514_Leu515= (NM_001355216.2); c.2304_2307delinsACTT, p.Glu768_Leu769= (NM_001406743.1, NM_001406744.1, NM_001406759.1 and 2 more transcripts); c.2175_2178delinsACTT, p.Glu725_Leu726= (NM_001406761.1, NM_001406762.1, NM_001406764.1); c.2169_2172delinsACTT, p.Glu723_Leu724= (NM_001406763.1, NM_001406765.1); c.2016_2019delinsACTT, p.Glu672_Leu673= (NM_001406766.1, NM_001406767.1, NM_001406770.1); c.2040_2043delinsACTT, p.Glu680_Leu681= (NM_001406768.1); c.1908_1911delinsACTT, p.Glu636_Leu637= (NM_001406769.1, NM_001406772.1); c.1866_1869delinsACTT, p.Glu622_Leu623= (NM_001406771.1, NM_001406773.1); and 10 more.
Identifiers: ClinVar variation 3904533 (VCV003904533.1).